The following is an entry in ClinVar:

NM_000075.4(CDK4):c.13C>A (p.Arg5=)

Gene: CDK4 (cyclin dependent kinase 4; minus strand). Cytogenetic location: 12q14.1.
Variant type: single nucleotide variant.
Coding change: c.13C>A on transcript NM_000075.4 (MANE Select); coding-DNA position 13, C replaced by A.
Protein change: p.Arg5=; no amino-acid change (arginine 5 retained).
Molecular consequence: synonymous variant.
Genome position (GRCh38, 1-based): chr12:57,751,705, G>T on the plus strand (C>A on the coding strand, the complement: CDK4 is on the minus strand). VCF-style: chr12-57751705-G-T. GRCh37 (hg19) VCF-style: chr12-58145488-G-T.
Identifiers: ClinVar variation 3378701 (VCV003378701.1).

ClinVar aggregate classification (germline): Benign (1 of 4 stars; one submission).

Conditions:
Melanoma, cutaneous malignant, susceptibility to, 3. Also called: Cutaneous malignant melanoma 3. Identifiers: Orphanet 618, MedGen C1836892, MONDO:0012183, OMIM 609048.

Submission:

Myriad Genetics, Inc.
Classification: Benign for Melanoma, cutaneous malignant, susceptibility to, 3. Last evaluated: 2024-09-24. Review status: criteria provided, single submitter. Criteria: Myriad Autosomal Dominant, Autosomal Recessive and X-Linked Classification Criteria (2023). Collection method: clinical testing. Allele origin: unknown.
Comment: This variant is considered benign. This variant is a silent/synonymous amino acid change and it is not expected to impact splicing.